The following is an entry in ClinVar:

NM_001042681.2(RERE):c.1902G>A (p.Lys634=)

Gene: RERE (arginine-glutamic acid dipeptide repeats; minus strand). Cytogenetic location: 1p36.23.
Variant type: single nucleotide variant.
Coding change: c.1902G>A on transcript NM_001042681.2 (MANE Select); coding-DNA position 1902, G replaced by A.
Protein change: p.Lys634=; no amino-acid change (lysine 634 retained).
Molecular consequence: synonymous variant.
Genome position (GRCh38, 1-based): chr1:8,362,683, C>T on the plus strand (G>A on the coding strand, the complement: RERE is on the minus strand). VCF-style: chr1-8362683-C-T. GRCh37 (hg19) VCF-style: chr1-8422743-C-T.
Other names: c.240G>A, p.Lys80= (NM_001042682.2); c.1902G>A, p.Lys634= (NM_012102.4).
Identifiers: ClinVar variation 2503366 (VCV002503366.1), dbSNP rs1234776650, ClinGen allele CA415846710.

ClinVar aggregate classification (germline): Uncertain significance (1 of 4 stars; one submission).

Submission:

GeneDx
Classification: Uncertain significance. Last evaluated: 2022-11-23. Review status: criteria provided, single submitter. Criteria: GeneDx Variant Classification Process June 2021. Collection method: clinical testing. Allele origin: germline. Affected: yes.
Comment: Not observed at significant frequency in large population cohorts (gnomAD); Variant at the last nucleotide of the exon in a gene for which loss of function is a known mechanism of disease, and both splice predictors and evolutionary conservation support a deleterious effect, although in the absence of functional evidence the actual effect of this sequence change is unknown.; Has not been previously published as pathogenic or benign to our knowledge